The following is an entry in ClinVar:

ClinVar aggregate classification (germline): Uncertain significance. Review status: criteria provided, multiple submitters, no conflicts (2 of 4 stars). 2 submissions from 2 submitters: Uncertain significance (2). Last evaluated 2026-06-29.

Conditions:
Neurofibromatosis, type 2 (SWNV). Also called: BILATERAL ACOUSTIC NEUROFIBROMATOSIS; NF2-Related Schwannomatosis; SCHWANNOMATOSIS, VESTIBULAR. Identifiers: Orphanet 637, MedGen C0027832, MONDO:0007039, OMIM 101000. Disease mechanism: loss of function.
Hereditary cancer-predisposing syndrome. Also called: Hereditary Cancer Syndrome; Hereditary neoplastic syndrome; Neoplastic Syndromes, Hereditary; Tumor predisposition. Identifiers: Orphanet 140162, MedGen C0027672, MeSH D009386, MONDO:0015356.

Submissions (2):

Ambry Genetics
Classification: Uncertain significance for Hereditary cancer-predisposing syndrome. Last evaluated: 2026-06-29. Review status: criteria provided, single submitter. Criteria: Ambry Variant Classification Scheme 2023. Collection method: clinical testing. Allele origin: germline.
Comment: The c.1122G>A variant (also known as p.L374L), located in coding exon 11 of the NF2 gene, results from a G to A substitution at nucleotide position 1122. This nucleotide substitution does not change the at codon 374. However, this change occurs in the last base pair of coding exon 11, which makes it likely to have some effect on normal mRNA splicing. This nucleotide position is well conserved in available vertebrate species. In silico splice site analysis predicts that this alteration may weaken the native splice donor site; however, direct evidence is insufficient at this time (Ambry internal data). Based on the available evidence, the clinical significance of this variant remains unclear.

Labcorp Genetics (formerly Invitae), Labcorp
Classification: Uncertain significance for Neurofibromatosis, type 2. Last evaluated: 2024-06-19. Review status: criteria provided, single submitter. Criteria: Invitae Variant Classification Sherloc (09022015). Collection method: clinical testing. Allele origin: germline.
Comment: This sequence change affects codon 374 of the NF2 mRNA. It is a 'silent' change, meaning that it does not change the encoded amino acid sequence of the NF2 protein. This variant also falls at the last nucleotide of exon 11, which is part of the consensus splice site for this exon. This variant is not present in population databases (gnomAD no frequency). This variant has not been reported in the literature in individuals affected with NF2-related conditions. Variants that disrupt the consensus splice site are a relatively common cause of aberrant splicing (PMID: 17576681, 9536098). Studies have shown that this variant is associated with inconclusive levels of altered splicing (Invitae). In summary, the available evidence is currently insufficient to determine the role of this variant in disease. Therefore, it has been classified as a Variant of Uncertain Significance.

Literature cited by the submitters: PubMed 17576681 (cited by Labcorp Genetics (formerly Invitae), Labcorp); PubMed 9536098 (cited by Labcorp Genetics (formerly Invitae), Labcorp).

NM_000268.4(NF2):c.1122G>A (p.Leu374=)

Gene: NF2 (NF2, moesin-ezrin-radixin like (MERLIN) tumor suppressor; plus strand). Cytogenetic location: 22q12.2.
Variant type: single nucleotide variant.
Coding change: c.1122G>A on transcript NM_000268.4 (MANE Select); coding-DNA position 1122, G replaced by A.
Protein change: p.Leu374=; no amino-acid change (leucine 374 retained).
Molecular consequence: synonymous variant. On other transcripts: intron variant (1).
Genome position (GRCh38, 1-based): chr22:29,671,948, G>A. VCF-style: chr22-29671948-G-A. GRCh37 (hg19) VCF-style: chr22-30067937-G-A.
Other names: c.1008G>A, p.Leu336= (NM_001407053.1, NM_001407056.1); c.999G>A, p.Leu333= (NM_001407054.1, NM_001407058.1, NM_181829.3); c.996G>A, p.Leu332= (NM_001407055.1, NM_181828.3); c.987G>A, p.Leu329= (NM_001407057.1, NM_001407059.1); c.1122G>A, p.Leu374= (NM_001407060.1, NM_001407066.1, NM_016418.5 and 2 more transcripts); c.864G>A, p.Leu288= (NM_001407062.1); c.873G>A, p.Leu291= (NM_001407063.1, NM_001407064.1, NM_181830.3 and 1 more transcripts); c.588G>A, p.Leu196= (NM_001407065.1); and 2 more.
Identifiers: ClinVar variation 2795680 (VCV002795680.4), dbSNP rs2518668210, ClinGen allele CA514184951.
Genomic context (GRCh38, chr22:29,671,948, plus strand): 5'-TGAGTTGGAGAGGAGGCTGCTGCAGATGAAAGAAGAAGCAACAATGGCCAACGAAGCACT[G>A]GTGATTTCTGAGGGGCTGGGGTTCCAGGAGGCTACTTGGGGACTTCCTTGGCTTTTCTGG-3'
Protein context (NP_000259.1, residues 364-384): KEEATMANEA[Leu374=]MRSEETADLL